The following is an entry in ClinVar:

ClinVar aggregate classification (germline): Pathogenic/Likely pathogenic. Review status: no assertion criteria provided (0 of 4 stars). 2 submissions from 2 submitters: Pathogenic (1); Likely pathogenic (1). Last evaluated 2021-04-20.

Conditions:
Oculocutaneous albinism type 8. Also called: OCULOCUTANEOUS ALBINISM, TYPE VIII. Identifiers: Orphanet 597733, MedGen C5436929, MONDO:0030899, OMIM 619165.
Albinism. Identifiers: MedGen C0001916, MONDO:0043209, HP:0001022.

Allele frequency attached by ClinVar (database versions not stated): gnomAD exomes 0.00001 and 0.00003; gnomAD 0.00003; ESP Exome Variant Server 0.00008; ExAC 0.00001; TOPMed 0.00002.
gnomAD v4.1: 50 of 1,613,728 alleles (0.0031%); highest among the groups gnomAD compares: Non-Finnish European, 0.0042%; no homozygotes.

Submissions (2):

OMIM
Classification: Pathogenic for ALBINISM, OCULOCUTANEOUS, TYPE VIII. Last evaluated: 2021-04-20. Review status: no assertion criteria provided. Collection method: literature only. Allele origin: germline.

Laboratoire de Génétique Moléculaire, CHU Bordeaux
Classification: Likely pathogenic for Albinism. Last evaluated: 2020-06-15. Review status: no assertion criteria provided. Collection method: clinical testing. Allele origin: germline. Inheritance: Autosomal recessive inheritance. Affected: yes. Observed: 1 compound heterozygote.
Comment: We sequenced a panel of genes with known or predicted involvement in melanogenesis in 230 unsolved albinism patients in order to search for new mutations. In two unrelated patients we identified variants in the Dopachrome tautomerase (DCT) (also called Tyrosinase-related protein 2, TYRP2) gene. Both patients had mild hair and skin hypopigmentation, and classical ocular features including nystagmus, iris and retinal hypopigmentation. We have used CRISPR/Cas9 in C57BL/6J mice to create mutations identical to the missense mutations carried by these two patients, along with one loss-of-function indel mutation. When bred to homozygosity these novel mouse mutations revealed different degrees of hypopigmentation of the coat, milder for Cys40Ser compared to Cys61Trp or the frameshift mutation. Histological analysis of the retina identified significant hypopigmentation of the retinal pigmented epithelium (RPE) indicating that a defect in RPE melanogenesis could be associated with eye and vision defects in DCT patients.

Literature cited by the submitters: PubMed 33100333 (cited by OMIM).

NM_001922.5(DCT):c.118T>A (p.Cys40Ser)

Gene: DCT (dopachrome tautomerase; minus strand). Cytogenetic location: 13q32.1.
Variant type: single nucleotide variant.
Coding change: c.118T>A on transcript NM_001922.5 (MANE Select); coding-DNA position 118, T replaced by A.
Protein change: p.Cys40Ser; replaces cysteine 40 with serine.
Molecular consequence: missense variant. On other transcripts: intron variant (5).
Genome position (GRCh38, 1-based): chr13:94,479,138, A>T on the plus strand (T>A on the coding strand, the complement: DCT is on the minus strand). VCF-style: chr13-94479138-A-T. GRCh37 (hg19) VCF-style: chr13-95131392-A-T.
Other names: c.118T>A, p.Cys40Ser (NM_001129889.3); c.-338-12480T>A (NM_001322182.2); c.-638-10093T>A (NM_001322185.2, NM_001322184.2); c.-339+10239T>A (NM_001322183.2); c.107-10093T>A (NM_001322186.2); short protein forms C40S.
Identifiers: ClinVar variation 929863 (VCV000929863.6), dbSNP rs370729240, ClinGen allele CA7017768.
Genomic context (GRCh38, chr13:94,479,138, plus strand): 5'-GCCCCCGGCCTTGCTGAGAGCCACAGACATTGGCCGACTCTGCACCCAGGCGTGGGCAGC[A>T]CTCCTTGTTCACTAGGCTGTCCACCGTCATGCAGACTCGGGGGAACTGACCCTGGGCTCC-3'
Protein context (NP_001913.2, residues 30-50): MTVDSLVNKE[Cys40Ser]CPRLGAESAN